The following is an entry in ClinVar:

NM_001010898.4(SLC6A17):c.518A>G (p.Gln173Arg)

Gene: SLC6A17 (solute carrier family 6 member 17; plus strand). Cytogenetic location: 1p13.3.
Variant type: single nucleotide variant.
Coding change: c.518A>G on transcript NM_001010898.4 (MANE Select); coding-DNA position 518, A replaced by G.
Protein change: p.Gln173Arg; replaces glutamine 173 with arginine.
Molecular consequence: missense variant.
Genome position (GRCh38, 1-based): chr1:110,174,046, A>G. VCF-style: chr1-110174046-A-G. GRCh37 (hg19) VCF-style: chr1-110716668-A-G.
Other names: c.518A>G (NM_001010898.2); short protein forms Q173R.
Identifiers: ClinVar variation 3353107 (VCV003353107.2).

ClinVar aggregate classification (germline): Uncertain significance. Review status: criteria provided, single submitter (1 of 4 stars). 2 submissions from 2 submitters: Uncertain significance (1). 1 of the submissions does not count toward it. Last evaluated 2024-07-07.

Conditions:
SLC6A17-related disorder. Also called: SLC6A17-related condition.

gnomAD v4.1: 42 of 1,614,082 alleles (0.0026%); highest among the groups gnomAD compares: Admixed American, 0.052%; no homozygotes.

Submissions (2):

Ambry Genetics
Classification: Uncertain significance. Last evaluated: 2024-07-07. Review status: criteria provided, single submitter. Criteria: Ambry Variant Classification Scheme 2023. Collection method: clinical testing. Allele origin: germline.

PreventionGenetics, part of Exact Sciences
Classification: Uncertain significance for SLC6A17-related condition. Last evaluated: 2024-06-18. Review status: no assertion criteria provided. Collection method: clinical testing. Allele origin: germline. Not counted in ClinVar's aggregate classification.
Comment: The SLC6A17 c.518A>G variant is predicted to result in the amino acid substitution p.Gln173Arg. To our knowledge, this variant has not been reported in the literature. This variant is reported in 0.058% of alleles in individuals of Latino descent in gnomAD. Although we suspect that this variant may be benign, at this time, the clinical significance of this variant is uncertain due to the absence of conclusive functional and genetic evidence.